The following is an entry in ClinVar:

Single allele

Gene: DMD (dystrophin; minus strand). Cytogenetic location: Xp21.1.
Variant type: Duplication.
Identifiers: ClinVar variation 3571464 (VCV003571464.1).

ClinVar aggregate classification (germline): Pathogenic (1 of 4 stars; one submission).

Submission:

Athena Diagnostics
Classification: Pathogenic. Last evaluated: 2023-11-09. Review status: criteria provided, single submitter. Criteria: Athena Diagnostics Criteria. Collection method: clinical testing. Allele origin: unknown.
Comment: This variant is likely to be inserted in tandem within the DMD gene (PMID: 25640679) and would maintain the transcript's reading frame, yet is expected to disrupt protein function. Multiple unrelated individuals with BMD have been reported with similar duplications of exons 14-29. Similar variants have not been reported in large, multi-ethnic general populations.

Literature cited by the submitters: PubMed 34297739; PubMed 31705731; PubMed 28332368.